The following is an entry in ClinVar:

ClinVar aggregate classification (germline): Uncertain significance (1 of 4 stars; one submission).

Allele frequency attached by ClinVar (database versions not stated): gnomAD 0.00001.
gnomAD v4.1: 2 of 1,613,112 alleles (0.00012%); highest among the groups gnomAD compares: African/African-American, 0.0027%; no homozygotes.

Submission:

Labcorp Genetics (formerly Invitae), Labcorp
Classification: Uncertain significance. Last evaluated: 2024-10-22. Review status: criteria provided, single submitter. Criteria: Invitae Variant Classification Sherloc (09022015). Collection method: clinical testing. Allele origin: germline.
Comment: This sequence change replaces glycine, which is neutral and non-polar, with arginine, which is basic and polar, at codon 483 of the GRID2 protein (p.Gly483Arg). This variant is not present in population databases (gnomAD no frequency). This variant has not been reported in the literature in individuals affected with GRID2-related conditions. Invitae Evidence Modeling of protein sequence and biophysical properties (such as structural, functional, and spatial information, amino acid conservation, physicochemical variation, residue mobility, and thermodynamic stability) indicates that this missense variant is not expected to disrupt GRID2 protein function with a negative predictive value of 80%. In summary, the available evidence is currently insufficient to determine the role of this variant in disease. Therefore, it has been classified as a Variant of Uncertain Significance.

NM_001510.4(GRID2):c.1447G>C (p.Gly483Arg)

Gene: GRID2 (glutamate ionotropic receptor delta type subunit 2; plus strand). Cytogenetic location: 4q22.2.
Variant type: single nucleotide variant.
Coding change: c.1447G>C on transcript NM_001510.4 (MANE Select); coding-DNA position 1447, G replaced by C.
Protein change: p.Gly483Arg; replaces glycine 483 with arginine.
Molecular consequence: missense variant.
Genome position (GRCh38, 1-based): chr4:93,422,870, G>C. VCF-style: chr4-93422870-G-C. GRCh37 (hg19) VCF-style: chr4-94344021-G-C.
Other names: c.1162G>C, p.Gly388Arg (NM_001286838.1); short protein forms G483R, G388R.
Identifiers: ClinVar variation 3004248 (VCV003004248.3), dbSNP rs1768432727, ClinGen allele CA357724859.
Genomic context (GRCh38, chr4:93,422,870, plus strand): 5'-AAGCCGAAGAAATACCAGGGCTTCTCCATTGATGTTTTGGATGCCTTATCTAACTACCTG[G>C]GTTTTAACTACGAAATTTACGTAGCACCGGATCACAAATACGGAAGCCCACAAGAAGATG-3'
Protein context (NP_001501.2, residues 473-493): DVLDALSNYL[Gly483Arg]FNYEIYVAPD